The following is an entry in ClinVar:

ClinVar aggregate classification (germline): Conflicting classifications of pathogenicity. Review status: criteria provided, conflicting classifications (1 of 4 stars). 2 submissions from 2 submitters: Uncertain significance (1); Likely benign (1). Last evaluated 2023-10-11.

Submissions (2):

Blueprint Genetics
Classification: Likely benign. Last evaluated: 2023-10-11. Review status: criteria provided, single submitter. Criteria: ACMG Guidelines, 2015. Collection method: clinical testing. Allele origin: germline.

Labcorp Genetics (formerly Invitae), Labcorp
Classification: Uncertain significance. Last evaluated: 2022-12-06. Review status: criteria provided, single submitter. Criteria: Invitae Variant Classification Sherloc (09022015). Collection method: clinical testing. Allele origin: germline.
Comment: In summary, the available evidence is currently insufficient to determine the role of this variant in disease. Therefore, it has been classified as a Variant of Uncertain Significance. Algorithms developed to predict the effect of sequence changes on RNA splicing suggest that this variant may disrupt the consensus splice site. This variant has not been reported in the literature in individuals affected with LZTR1-related conditions. This variant is not present in population databases (gnomAD no frequency). This sequence change falls in intron 2 of the LZTR1 gene. It does not directly change the encoded amino acid sequence of the LZTR1 protein.

NM_006767.4(LZTR1):c.263+16C>T

Gene: LZTR1 (leucine zipper like post translational regulator 1; plus strand). Cytogenetic location: 22q11.21.
Variant type: single nucleotide variant.
Coding change: c.263+16C>T on transcript NM_006767.4 (MANE Select); 16 bases into the intron after coding-DNA position 263, C replaced by T.
Molecular consequence: intron variant.
Genome position (GRCh38, 1-based): chr22:20,983,105, C>T. VCF-style: chr22-20983105-C-T. GRCh37 (hg19) VCF-style: chr22-21337394-C-T.
Identifiers: ClinVar variation 2955374 (VCV002955374.4), dbSNP rs2518608714, ClinGen allele CA2740094785.